The following is an entry in ClinVar:

ClinVar aggregate classification (germline): Pathogenic. Review status: criteria provided, multiple submitters, no conflicts (2 of 4 stars). 2 submissions from 2 submitters: Pathogenic (2). Last evaluated 2022-05-20.

Conditions:
Familial X-linked hypophosphatemic vitamin D refractory rickets (XLHRD). Also called: HYPOPHOSPHATEMIC VITAMIN D-RESISTANT RICKETS; Hypophosphatemia, vitamin D-resistant rickets; Vitamin D-resistant rickets, X-linked; X-Linked Hypophosphatemia; Hypophosphatemic Rickets, X-Linked Dominant. Identifiers: Orphanet 89936, MedGen C0733682, MONDO:0010619, OMIM 307800.

Submissions (3):

Labcorp Genetics (formerly Invitae), Labcorp
Classification: Pathogenic. Last evaluated: 2022-05-20. Review status: criteria provided, single submitter. Criteria: Invitae Variant Classification Sherloc (09022015). Collection method: clinical testing. Allele origin: germline.
Comment: This variant is not present in population databases (gnomAD no frequency). For these reasons, this variant has been classified as Pathogenic. ClinVar contains an entry for this variant (Variation ID: 803757). This variant has not been reported in the literature in individuals affected with PHEX-related conditions. This sequence change creates a premature translational stop signal (p.Lys468*) in the PHEX gene. It is expected to result in an absent or disrupted protein product. Loss-of-function variants in PHEX are known to be pathogenic (PMID: 9097956, 9106524, 19219621).

Mendelics
Classification: Pathogenic for Familial X-linked hypophosphatemic vitamin D refractory rickets. Last evaluated: 2019-05-28. Review status: criteria provided, single submitter. Criteria: Mendelics Assertion Criteria 2017. Collection method: clinical testing. Allele origin: unknown.

Dr. Peter K. Rogan Lab, Western University
No classification provided (evidence only). Condition: Nonpapillary renal cell carcinoma. Review status: no classification provided. Collection method: in vitro. Allele origin: not applicable. Functional consequence: retained intron. Not counted in ClinVar's aggregate classification.

Literature cited by the submitters: PubMed 9097956 (cited by Labcorp Genetics (formerly Invitae), Labcorp); PubMed 9106524 (cited by Labcorp Genetics (formerly Invitae), Labcorp); PubMed 19219621 (cited by Labcorp Genetics (formerly Invitae), Labcorp).

NM_000444.6(PHEX):c.1402A>T (p.Lys468Ter)

Gene: PHEX (phosphate regulating endopeptidase X-linked; plus strand). Cytogenetic location: Xp22.11.
Variant type: single nucleotide variant.
Coding change: c.1402A>T on transcript NM_000444.6 (MANE Select); coding-DNA position 1402, A replaced by T.
Protein change: p.Lys468Ter; replaces lysine 468 with a stop codon.
Molecular consequence: nonsense.
Genome position (GRCh38, 1-based): chrX:22,133,622, A>T. VCF-style: chrX-22133622-A-T. GRCh37 (hg19) VCF-style: chrX-22151739-A-T.
Other names: c.1402A>T, p.Lys468Ter (NM_001282754.2); short protein forms K468*.
Identifiers: ClinVar variation 803757 (VCV000803757.6), dbSNP rs1602324630, ClinGen allele CA412574796.